The following is an entry in ClinVar:

NC_000023.10:g.(?_21990015)_(22292386_?)del

Genes: CBLL2 (Cbl proto-oncogene like 2; plus strand), PHEX (phosphate regulating endopeptidase X-linked; plus strand), SMS (spermine synthase; plus strand). Cytogenetic location: Xp22.11.
Variant type: Deletion.
Identifiers: ClinVar variation 831244 (VCV000831244.1).

ClinVar aggregate classification (germline): Pathogenic (1 of 4 stars; one submission).

Submission:

Labcorp Genetics (formerly Invitae), Labcorp
Classification: Pathogenic. Last evaluated: 2019-12-12. Review status: criteria provided, single submitter. Criteria: Invitae Variant Classification Sherloc (09022015). Collection method: clinical testing. Allele origin: germline.
Comment: A gross deletion of the genomic region encompassing the full coding sequence of the PHEX gene has been identified. The boundaries of this event are unknown as the deletion extends beyond the assayed region for this gene and therefore may encompass additional genes. This variant has been observed in individual(s) with hypophosphatemic rickets (Invitae). In at least one individual the variant was observed to be de novo. Loss-of-function variants in PHEX are known to be pathogenic (PMID: 9097956, 9106524, 19219621). For these reasons, this variant has been classified as Pathogenic.